The following is an entry in ClinVar:

ClinVar aggregate classification (germline): Uncertain significance. Review status: criteria provided, multiple submitters, no conflicts (2 of 4 stars). 2 submissions from 2 submitters: Uncertain significance (2). Last evaluated 2025-12-13.

Conditions:
Inborn genetic diseases. Identifiers: MedGen C0950123, MeSH D030342.
Baller-Gerold syndrome (BGS). Also called: CRANIOSYNOSTOSIS WITH RADIAL DEFECTS. Identifiers: Orphanet 1225, MedGen C0265308, MONDO:0009039, OMIM 218600.

Allele frequency attached by ClinVar (database versions not stated): TOPMed below 0.00001; gnomAD 0.00001; gnomAD exomes 0.00001.
gnomAD v4.1: 6 of 1,609,572 alleles (0.00037%); highest among the groups gnomAD compares: Non-Finnish European, 0.00051%; no homozygotes.

Submissions (2):

Ambry Genetics
Classification: Uncertain significance for Inborn genetic diseases. Last evaluated: 2025-12-13. Review status: criteria provided, single submitter. Criteria: Ambry Variant Classification Scheme 2023. Collection method: clinical testing. Allele origin: germline.
Comment: The p.G586E variant (also known as c.1757G>A), located in coding exon 11 of the RECQL4 gene, results from a G to A substitution at nucleotide position 1757. The glycine at codon 586 is replaced by glutamic acid, an amino acid with similar properties. This amino acid position is conserved. In addition, this alteration is predicted to be tolerated by in silico analysis. Based on the available evidence, the clinical significance of this variant remains unclear.

Labcorp Genetics (formerly Invitae), Labcorp
Classification: Uncertain significance for Baller-Gerold syndrome. Last evaluated: 2023-09-03. Review status: criteria provided, single submitter. Criteria: Invitae Variant Classification Sherloc (09022015). Collection method: clinical testing. Allele origin: germline.
Comment: In summary, the available evidence is currently insufficient to determine the role of this variant in disease. Therefore, it has been classified as a Variant of Uncertain Significance. Algorithms developed to predict the effect of sequence changes on RNA splicing suggest that this variant may disrupt the consensus splice site. Advanced modeling of protein sequence and biophysical properties (such as structural, functional, and spatial information, amino acid conservation, physicochemical variation, residue mobility, and thermodynamic stability) performed at Invitae indicates that this missense variant is not expected to disrupt RECQL4 protein function. ClinVar contains an entry for this variant (Variation ID: 406944). This variant has not been reported in the literature in individuals affected with RECQL4-related conditions. This variant is not present in population databases (gnomAD no frequency). This sequence change replaces glycine, which is neutral and non-polar, with glutamic acid, which is acidic and polar, at codon 586 of the RECQL4 protein (p.Gly586Glu).

NM_004260.4(RECQL4):c.1757G>A (p.Gly586Glu)

Gene: RECQL4 (RecQ like helicase 4; minus strand). Cytogenetic location: 8q24.3.
Variant type: single nucleotide variant.
Coding change: c.1757G>A on transcript NM_004260.4 (MANE Select); coding-DNA position 1757, G replaced by A.
Protein change: p.Gly586Glu; replaces glycine 586 with glutamic acid.
Molecular consequence: missense variant.
Genome position (GRCh38, 1-based): chr8:144,514,310, C>T on the plus strand (G>A on the coding strand, the complement: RECQL4 is on the minus strand). VCF-style: chr8-144514310-C-T. GRCh37 (hg19) VCF-style: chr8-145739694-C-T.
Other names: short protein forms G586E.
Identifiers: ClinVar variation 406944 (VCV000406944.5), dbSNP rs1060501369, ClinGen allele CA16612530.
Genomic context (GRCh38, chr8:144,514,310, plus strand): 5'-TCATCAATGCAGGCAAAAGCAACTGGAGGCAGCTGTGCGGCTGGAGGGAGGCCTCCCGCC[C>T]CCACCAGTGCCTCAGGTGTCAGCATCAGCACGTGTACCTGGGCTGCCCGAATCTGAAGGC-3'
Protein context (NP_004251.4, residues 576-596): VLMLTPEALV[Gly586Glu]AGGLPPAAQL